The following is an entry in ClinVar:

NM_001384732.1(CPLANE1):c.6098T>G (p.Phe2033Cys)

Gene: CPLANE1 (ciliogenesis and planar polarity effector complex subunit 1; minus strand). Cytogenetic location: 5p13.2.
Variant type: single nucleotide variant.
Coding change: c.6098T>G on transcript NM_001384732.1 (MANE Select); coding-DNA position 6098, T replaced by G.
Protein change: p.Phe2033Cys; replaces phenylalanine 2033 with cysteine.
Molecular consequence: missense variant.
Genome position (GRCh38, 1-based): chr5:37,173,828, A>C on the plus strand (T>G on the coding strand, the complement: CPLANE1 is on the minus strand). VCF-style: chr5-37173828-A-C. GRCh37 (hg19) VCF-style: chr5-37173930-A-C.
Other names: c.6098T>G, p.Phe2033Cys (NM_023073.4); short protein forms F2033C.
Identifiers: ClinVar variation 158048 (VCV000158048.23), dbSNP rs10076911, ClinGen allele CA171455.
Genomic context (GRCh38, chr5:37,173,828, plus strand): 5'-AACATTTCATCTTGCAGCATCTGCCTAACGGACTCCGAACAATCTGGTAACTGAGCCGTG[A>C]ATTCATTTCTCTGGGTCTTCTGAGGTGTTGGAGCAGGTGGTTGTGAAGCAACATTGACTC-3'
Protein context (NP_001371661.1, residues 2023-2043): PTPQKTQRNE[Phe2033Cys]TAQLPDCSES

ClinVar aggregate classification (germline): Benign/Likely benign. Review status: criteria provided, multiple submitters, no conflicts (2 of 4 stars). 11 submissions from 11 submitters: Benign (8); Likely benign (1). 2 of the submissions do not count toward it. Last evaluated 2026-03-30.

Conditions:
Joubert syndrome 17 (JBTS17). Identifiers: Orphanet 475, MedGen C3553264, MONDO:0013824, OMIM 614615.

Allele frequency attached by ClinVar (database versions not stated): gnomAD exomes 0.10983 and 0.13419; ExAC 0.13507; gnomAD 0.17153 and 0.17594; 1000 Genomes Project 0.17272; 1000 Genomes Project 30x 0.17395; ESP Exome Variant Server 0.17577; TOPMed 0.17850.
gnomAD v4.1: 187,365 of 1,613,758 alleles (12%); highest among the groups gnomAD compares: African/African-American, 31%; 12,862 homozygotes.

Submissions (11):

Women's Health and Genetics/Laboratory Corporation of America, LabCorp
Classification: Benign. Last evaluated: 2026-03-30. Review status: criteria provided, single submitter. Criteria: LabCorp Variant Classification Summary - May 2015. Collection method: clinical testing. Allele origin: germline.
Comment: Variant summary: CPLANE1 c.6098T>G (p.Phe2033Cys) results in a non-conservative amino acid change in the encoded protein sequence. Algorithms developed to predict the effect of missense changes on protein structure and function are either unavailable or do not agree on the potential impact of this missense change. The variant allele was found at a frequency of 0.12 in 1613758 control chromosomes in the gnomAD database, including 12862 homozygotes. The observed variant frequency exceeds the estimated maximal expected allele frequency for disease-causing variants in CPLANE1. To our knowledge, no occurrence of c.6098T>G in individuals affected with CPLANE1-related conditions and no experimental evidence demonstrating its impact on protein function have been reported. ClinVar contains an entry for this variant (Variation ID: 158048). Based on the evidence outlined above, the variant was classified as benign.

Labcorp Genetics (formerly Invitae), Labcorp
Classification: Benign. Last evaluated: 2026-02-04. Review status: criteria provided, single submitter. Criteria: Invitae Variant Classification Sherloc (09022015). Collection method: clinical testing. Allele origin: germline.

Blueprint Genetics
Classification: Likely benign. Last evaluated: 2024-11-26. Review status: criteria provided, single submitter. Criteria: ACMG Guidelines, 2015. Collection method: clinical testing. Allele origin: germline.

Mayo Clinic Laboratories, Mayo Clinic
Classification: Benign. Last evaluated: 2022-03-09. Review status: criteria provided, single submitter. Criteria: ACMG Guidelines, 2015. Collection method: clinical testing. Allele origin: germline. Observed: 16 variant alleles.

Illumina Laboratory Services, Illumina
Classification: Benign for Joubert syndrome 17. Last evaluated: 2018-01-13. Review status: criteria provided, single submitter. Criteria: ICSL Variant Classification Criteria 13 December 2019. Collection method: clinical testing. Allele origin: germline.
Comment: This variant was observed in the ICSL laboratory as part of a predisposition screen in an ostensibly healthy population. It had not been previously curated by ICSL or reported in the Human Gene Mutation Database (HGMD: prior to June 1st, 2018), and was therefore a candidate for classification through an automated scoring system. Utilizing variant allele frequency, disease prevalence and penetrance estimates, and inheritance mode, an automated score was calculated to assess if this variant is too frequent to cause the disease. Based on the score and internal cut-off values, a variant classified as benign is not then subjected to further curation. The score for this variant resulted in a classification of benign for this disease.

GeneDx
Classification: Benign. Last evaluated: 2016-03-14. Review status: criteria provided, single submitter. Criteria: GeneDx Variant Classification (06012015). Collection method: clinical testing. Allele origin: germline. Affected: yes.
Comment: This variant is considered likely benign or benign based on one or more of the following criteria: it is a conservative change, it occurs at a poorly conserved position in the protein, it is predicted to be benign by multiple in silico algorithms, and/or has population frequency not consistent with disease.

Clinical Genetics DNA and cytogenetics Diagnostics Lab, Erasmus MC, Erasmus Medical Center
Classification: Benign for Joubert syndrome 17. Last evaluated: 2015-09-21. Review status: criteria provided, single submitter. Criteria: ACGS Guidelines, 2013. Collection method: clinical testing. Allele origin: germline. Affected: yes. Study: VKGL Data-share Consensus.

Breakthrough Genomics
Classification: Benign. Review status: criteria provided, single submitter. Criteria: ACMG Guidelines, 2015. Collection method: not provided. Allele origin: germline. Inheritance: Autosomal recessive inheritance. Affected: yes.

PreventionGenetics, part of Exact Sciences
Classification: Benign. Review status: criteria provided, single submitter. Criteria: ACMG Guidelines, 2015. Collection method: clinical testing. Allele origin: germline.

Diagnostic Laboratory, Department of Genetics, University Medical Center Groningen
Classification: Benign for Joubert syndrome 17. Review status: no assertion criteria provided. Collection method: clinical testing. Allele origin: germline. Affected: yes. Study: VKGL Data-share Consensus. Not counted in ClinVar's aggregate classification.

Genetic Services Laboratory, University of Chicago
Classification: Likely benign. Review status: no assertion criteria provided. Collection method: clinical testing. Allele origin: germline. Inheritance: Autosomal recessive inheritance. Not counted in ClinVar's aggregate classification.
Comment: Likely benign based on allele frequency in 1000 Genomes Project or ESP global frequency and its presence in a patient with a rare or unrelated disease phenotype. NOT Sanger confirmed